The following is an entry in ClinVar:

NM_170606.3(KMT2C):c.7357C>A (p.Pro2453Thr)

Gene: KMT2C (lysine methyltransferase 2C; minus strand). Cytogenetic location: 7q36.1.
Variant type: single nucleotide variant.
Coding change: c.7357C>A on transcript NM_170606.3 (MANE Select); coding-DNA position 7357, C replaced by A.
Protein change: p.Pro2453Thr; replaces proline 2453 with threonine.
Molecular consequence: missense variant.
Genome position (GRCh38, 1-based): chr7:152,179,919, G>T on the plus strand (C>A on the coding strand, the complement: KMT2C is on the minus strand). VCF-style: chr7-152179919-G-T. GRCh37 (hg19) VCF-style: chr7-151877004-G-T.
Other names: short protein forms P2453T.
Identifiers: ClinVar variation 3391547 (VCV003391547.1).

ClinVar aggregate classification (germline): Uncertain significance (1 of 4 stars; one submission).

Submission:

GeneDx
Classification: Uncertain significance. Last evaluated: 2024-06-03. Review status: criteria provided, single submitter. Criteria: GeneDx Variant Classification Process June 2021. Collection method: clinical testing. Allele origin: germline. Affected: yes.
Comment: Not observed at significant frequency in large population cohorts (gnomAD); In silico analysis supports that this missense variant has a deleterious effect on protein structure/function; Has not been previously published as pathogenic or benign to our knowledge